The following is an entry in ClinVar:

NM_001267550.2(TTN):c.44036G>A (p.Arg14679Gln)

Gene: TTN (titin; minus strand). Cytogenetic location: 2q31.2.
Variant type: single nucleotide variant.
Coding change: c.44036G>A on transcript NM_001267550.2 (MANE Select); coding-DNA position 44036, G replaced by A.
Protein change: p.Arg14679Gln; replaces arginine 14679 with glutamine.
Molecular consequence: missense variant.
Genome position (GRCh38, 1-based): chr2:178,630,922, C>T on the plus strand (G>A on the coding strand, the complement: TTN is on the minus strand). VCF-style: chr2-178630922-C-T. GRCh37 (hg19) VCF-style: chr2-179495649-C-T.
Other names: c.39113G>A, p.Arg13038Gln (NM_001256850.1); c.16841G>A, p.Arg5614Gln (NM_003319.4); c.36332G>A, p.Arg12111Gln (NM_133378.4); c.17216G>A, p.Arg5739Gln (NM_133432.3); c.17417G>A, p.Arg5806Gln (NM_133437.4); short protein forms R12111Q, R14679Q, R13038Q, R5739Q, R5806Q, R5614Q.
Identifiers: ClinVar variation 285627 (VCV000285627.12), dbSNP rs369709751, ClinGen allele CA1995765.

ClinVar aggregate classification (germline): Conflicting classifications of pathogenicity. Review status: criteria provided, conflicting classifications (1 of 4 stars). 6 submissions from 6 submitters: Uncertain significance (4); Likely benign (2). Last evaluated 2025-10-20.

Conditions:
TTN-related disorder. Also called: TTN-related condition; TTN-related disease; TTN-related disorders.
Dilated cardiomyopathy 1G (CMD1G). Identifiers: Orphanet 154, MedGen C1858763, MONDO:0011400, OMIM 604145.
Autosomal recessive limb-girdle muscular dystrophy type 2J (LGMDR10). Also called: Limb-girdle muscular dystrophy, type 2J; MUSCULAR DYSTROPHY, LIMB-GIRDLE, AUTOSOMAL RECESSIVE 10. Identifiers: Orphanet 140922, MedGen C1837342, MONDO:0012127, OMIM 608807.

Allele frequency attached by ClinVar (database versions not stated): gnomAD exomes 0.00007 and 0.00011; gnomAD 0.00010; ExAC 0.00011; TOPMed 0.00011; ESP Exome Variant Server 0.00016.
gnomAD v4.1: 117 of 1,611,552 alleles (0.0073%); highest among the groups gnomAD compares: East Asian, 0.02%; no homozygotes.

Submissions (6):

PreventionGenetics, part of Exact Sciences
Classification: Uncertain significance for TTN-related condition. Last evaluated: 2025-10-20. Review status: criteria provided, single submitter. Criteria: ACMG Guidelines, 2015. Collection method: clinical testing. Allele origin: germline.
Comment: The TTN c.44036G>A variant is predicted to result in the amino acid substitution p.Arg14679Gln. To our knowledge, this variant has not been reported in the literature. This variant is reported in 0.036% of alleles in individuals of East Asian descent in gnomAD. At this time, the clinical significance of this variant is uncertain due to the absence of conclusive functional and genetic evidence.

Blueprint Genetics
Classification: Likely benign. Last evaluated: 2024-06-19. Review status: criteria provided, single submitter. Criteria: ACMG Guidelines, 2015. Collection method: clinical testing. Allele origin: germline.

Revvity Omics, Revvity
Classification: Uncertain significance. Last evaluated: 2021-08-27. Review status: criteria provided, single submitter. Criteria: ACMG Guidelines, 2015. Collection method: clinical testing. Allele origin: germline.

GeneDx
Classification: Likely benign. Last evaluated: 2018-02-01. Review status: criteria provided, single submitter. Criteria: GeneDx Variant Classification (06012015). Collection method: clinical testing. Allele origin: germline. Affected: yes.
Comment: This variant is considered likely benign or benign based on one or more of the following criteria: it is a conservative change, it occurs at a poorly conserved position in the protein, it is predicted to be benign by multiple in silico algorithms, and/or has population frequency not consistent with disease.

Labcorp Genetics (formerly Invitae), Labcorp
Classification: Uncertain significance for Dilated cardiomyopathy 1G; Autosomal recessive limb-girdle muscular dystrophy type 2J. Last evaluated: 2017-02-22. Review status: criteria provided, single submitter. Criteria: Invitae Variant Classification Sherloc (09022015). Collection method: clinical testing. Allele origin: germline.

Eurofins Ntd Llc (ga)
Classification: Uncertain significance. Last evaluated: 2016-09-18. Review status: criteria provided, single submitter. Criteria: EGL Classification Definitions 2015. Collection method: clinical testing. Allele origin: germline. Observed: 5 variant alleles, 5 heterozygotes.